The following is an entry in ClinVar:

NM_015559.3(SETBP1):c.1150A>G (p.Arg384Gly)

Gene: SETBP1 (SET binding protein 1; plus strand). Cytogenetic location: 18q12.3.
Variant type: single nucleotide variant.
Coding change: c.1150A>G on transcript NM_015559.3 (MANE Select); coding-DNA position 1150, A replaced by G.
Protein change: p.Arg384Gly; replaces arginine 384 with glycine.
Molecular consequence: missense variant.
Genome position (GRCh38, 1-based): chr18:44,950,490, A>G. VCF-style: chr18-44950490-A-G. GRCh37 (hg19) VCF-style: chr18-42530455-A-G.
Other names: c.1150A>G (NM_015559.2); c.1150A>G, p.Arg384Gly (NM_001379141.1, NM_001379142.1); short protein forms R384G.
Identifiers: ClinVar variation 1579051 (VCV001579051.11), dbSNP rs569547381, ClinGen allele CA8945565.

ClinVar aggregate classification (germline): Likely benign. Review status: criteria provided, multiple submitters, no conflicts (2 of 4 stars). 3 submissions from 3 submitters: Likely benign (2). 1 of the submissions does not count toward it. Last evaluated 2025-12-08.

Conditions:
SETBP1-related disorder. Also called: SETBP1-related condition; SETBP1-related disorders.

Allele frequency attached by ClinVar (database versions not stated): TOPMed 0.00002; gnomAD 0.00006; 1000 Genomes Project 30x 0.00016; 1000 Genomes Project 0.00020; gnomAD exomes 0.00020; ExAC 0.00024.
gnomAD v4.1: 159 of 1,614,138 alleles (0.0099%); highest among the groups gnomAD compares: South Asian, 0.17%; no homozygotes.

Submissions (3):

Labcorp Genetics (formerly Invitae), Labcorp
Classification: Likely benign. Last evaluated: 2025-12-08. Review status: criteria provided, single submitter. Criteria: Invitae Variant Classification Sherloc (09022015). Collection method: clinical testing. Allele origin: germline.

Blueprint Genetics
Classification: Likely benign. Last evaluated: 2023-04-26. Review status: criteria provided, single submitter. Criteria: ACMG Guidelines, 2015. Collection method: clinical testing. Allele origin: germline.

PreventionGenetics, part of Exact Sciences
Classification: Likely benign for SETBP1-related condition. Last evaluated: 2022-06-09. Review status: no assertion criteria provided. Collection method: clinical testing. Allele origin: germline. Not counted in ClinVar's aggregate classification.
Comment: This variant is classified as likely benign based on ACMG/AMP sequence variant interpretation guidelines (Richards et al. 2015 PMID: 25741868, with internal and published modifications).